The following is an entry in ClinVar:

NC_012920.1(MT-CYB):m.15746A>G

Gene: MT-CYB (mitochondrially encoded cytochrome b; plus strand).
Variant type: single nucleotide variant.
Genome position: chrM-15746-A-G.
Identifiers: ClinVar variation 235623 (VCV000235623.3), dbSNP rs386829260, ClinGen allele CA10581377.

ClinVar aggregate classification (germline): Benign. Review status: criteria provided, multiple submitters, no conflicts (2 of 4 stars). 2 submissions from 2 submitters: Benign (2). Last evaluated 2019-10-17.

Conditions:
Leigh syndrome (NULS). Also called: Leigh Syndrome (mtDNA deletion); Leigh's syndrome; LEIGH SYNDROME, NUCLEAR; Leigh Disease; Subacute necrotizing encephalopathy; Necrotizing encephalopathy infantile subacute of Leigh. Identifiers: Orphanet 506, MedGen C2931891, MONDO:0009723, OMIM 256000.

Submissions (2):

Wong Mito Lab, Molecular and Human Genetics, Baylor College of Medicine
Classification: Benign for Leigh syndrome. Last evaluated: 2019-10-17. Review status: criteria provided, single submitter. Criteria: Modified ACMG Guidelines (Unpublished). Collection method: clinical testing. Allele origin: germline.
Comment: The NC_012920.1:m.15746A>G (YP_003024038.1:p.Ile334Val) variant in MTCYB gene is interpretated to be a Benign variant based on the modified ACMG guidelines (unpublished). This variant meets the following evidence codes: BA1

Center for Pediatric Genomic Medicine, Children's Mercy Hospital and Clinics
Classification: Benign. Last evaluated: 2015-06-02. Review status: criteria provided, single submitter. Criteria: ACMG Guidelines, 2015. Collection method: clinical testing. Allele origin: germline.